The following is an entry in ClinVar:

NM_021098.3(CACNA1H):c.6818T>A (p.Leu2273His)

Gene: CACNA1H (calcium voltage-gated channel subunit alpha1 H; plus strand). Cytogenetic location: 16p13.3.
Variant type: single nucleotide variant.
Coding change: c.6818T>A on transcript NM_021098.3 (MANE Select); coding-DNA position 6818, T replaced by A.
Protein change: p.Leu2273His; replaces leucine 2273 with histidine.
Molecular consequence: missense variant.
Genome position (GRCh38, 1-based): chr16:1,220,750, T>A. VCF-style: chr16-1220750-T-A. GRCh37 (hg19) VCF-style: chr16-1270750-T-A.
Other names: c.6800T>A, p.Leu2267His (NM_001005407.2); short protein forms L2267H, L2273H.
Identifiers: ClinVar variation 1055256 (VCV001055256.9), dbSNP rs943817403, ClinGen allele CA394150801.

ClinVar aggregate classification (germline): Uncertain significance (1 of 4 stars; one submission).

Conditions:
Hyperaldosteronism, familial, type IV (HALD4). Also called: FH IV; ALDOSTERONISM, PRIMARY, AND HYPERTENSION. Identifiers: Orphanet 642671, MedGen C4310756, MONDO:0014875, OMIM 617027.
Idiopathic generalized epilepsy. Also called: Generalised epilepsy; EIG. Identifiers: MedGen C0270850, MONDO:0005579, OMIM 600669.

Submission:

Labcorp Genetics (formerly Invitae), Labcorp
Classification: Uncertain significance for Idiopathic generalized epilepsy; Hyperaldosteronism, familial, type IV. Last evaluated: 2020-01-30. Review status: criteria provided, single submitter. Criteria: Invitae Variant Classification Sherloc (09022015). Collection method: clinical testing. Allele origin: germline.
Comment: In summary, the available evidence is currently insufficient to determine the role of this variant in disease. Therefore, it has been classified as a Variant of Uncertain Significance. This sequence change replaces leucine with histidine at codon 2273 of the CACNA1H protein (p.Leu2273His). The leucine residue is weakly conserved and there is a moderate physicochemical difference between leucine and histidine. This variant is not present in population databases (ExAC no frequency). This variant has not been reported in the literature in individuals with CACNA1H-related conditions. Algorithms developed to predict the effect of missense changes on protein structure and function (SIFT, PolyPhen-2, Align-GVGD) all suggest that this variant is likely to be tolerated, but these predictions have not been confirmed by published functional studies and their clinical significance is uncertain.